The following is an entry in ClinVar:

ClinVar aggregate classification (germline): Pathogenic. Review status: criteria provided, multiple submitters, no conflicts (2 of 4 stars). 2 submissions from 2 submitters: Pathogenic (2). Last evaluated 2025-02-26.

Conditions:
Hereditary cancer-predisposing syndrome. Also called: Neoplastic Syndromes, Hereditary; Tumor predisposition; Hereditary Cancer Syndrome; Hereditary neoplastic syndrome. Identifiers: Orphanet 140162, MedGen C0027672, MeSH D009386, MONDO:0015356.
Familial cancer of breast. Also called: BREAST CANCER, FAMILIAL; hereditary breast carcinoma; Hereditary breast cancer. Identifiers: Orphanet 227535, MedGen C0346153, MONDO:0016419, OMIM 114480. Disease mechanism: loss of function.

Submissions (2):

Labcorp Genetics (formerly Invitae), Labcorp
Classification: Pathogenic for Familial cancer of breast. Last evaluated: 2025-02-26. Review status: criteria provided, single submitter. Criteria: Invitae Variant Classification Sherloc (09022015). Collection method: clinical testing. Allele origin: germline.
Comment: This sequence change creates a premature translational stop signal (p.Gln93*) in the BARD1 gene. It is expected to result in an absent or disrupted protein product. Loss-of-function variants in BARD1 are known to be pathogenic (PMID: 20077502, 21344236). This variant is not present in population databases (gnomAD no frequency). This variant has not been reported in the literature in individuals affected with BARD1-related conditions. ClinVar contains an entry for this variant (Variation ID: 230447). For these reasons, this variant has been classified as Pathogenic.

Ambry Genetics
Classification: Pathogenic for Hereditary cancer-predisposing syndrome. Last evaluated: 2019-04-10. Review status: criteria provided, single submitter. Criteria: Ambry Variant Classification Scheme 2023. Collection method: clinical testing. Allele origin: germline.
Comment: The p.Q93* pathogenic mutation (also known as c.277C>T), located in coding exon 3 of the BARD1 gene, results from a C to T substitution at nucleotide position 277. This changes the amino acid from a glutamine to a stop codon within coding exon 3. This alteration is expected to result in loss of function by premature protein truncation or nonsense-mediated mRNA decay. As such, this alteration is interpreted as a disease-causing mutation.

Literature cited by the submitters: PubMed 20077502 (cited by Labcorp Genetics (formerly Invitae), Labcorp); PubMed 21344236 (cited by Labcorp Genetics (formerly Invitae), Labcorp).

NM_000465.4(BARD1):c.277C>T (p.Gln93Ter)

Gene: BARD1 (BRCA1 associated RING domain 1; minus strand). Cytogenetic location: 2q35.
Variant type: single nucleotide variant.
Coding change: c.277C>T on transcript NM_000465.4 (MANE Select); coding-DNA position 277, C replaced by T.
Protein change: p.Gln93Ter; replaces glutamine 93 with a stop codon.
Molecular consequence: nonsense. On other transcripts: non-coding transcript variant (1), intron variant (2).
Genome position (GRCh38, 1-based): chr2:214,792,384, G>A on the plus strand (C>T on the coding strand, the complement: BARD1 is on the minus strand). VCF-style: chr2-214792384-G-A. GRCh37 (hg19) VCF-style: chr2-215657108-G-A.
Other names: c.220C>T, p.Gln74Ter (NM_001282543.2); c.277C>T, p.Gln93Ter (NM_001282549.2); c.158+17028C>T (NM_001282548.2); c.215+4677C>T (NM_001282545.2); short protein forms Q93*, Q74*.
Identifiers: ClinVar variation 230447 (VCV000230447.12), dbSNP rs876658571, ClinGen allele CA10577853.